The following is an entry in ClinVar:

NM_004629.2(FANCG):c.1178T>C (p.Met393Thr)

Gene: FANCG (FA complementation group G; minus strand). Cytogenetic location: 9p13.3.
Variant type: single nucleotide variant.
Coding change: c.1178T>C on transcript NM_004629.2 (MANE Select); coding-DNA position 1178, T replaced by C.
Protein change: p.Met393Thr; replaces methionine 393 with threonine.
Molecular consequence: missense variant.
Genome position (GRCh38, 1-based): chr9:35,075,720, A>G on the plus strand (T>C on the coding strand, the complement: FANCG is on the minus strand). VCF-style: chr9-35075720-A-G. GRCh37 (hg19) VCF-style: chr9-35075717-A-G.
Other names: short protein forms M393T.
Identifiers: ClinVar variation 4619363 (VCV004619363.2).

ClinVar aggregate classification (germline): Uncertain significance. Review status: criteria provided, multiple submitters, no conflicts (2 of 4 stars). 2 submissions from 2 submitters: Uncertain significance (2). Last evaluated 2025-10-09.

Conditions:
Inborn genetic diseases. Identifiers: MedGen C0950123, MeSH D030342.

Submissions (2):

Ambry Genetics
Classification: Uncertain significance for Inborn genetic diseases. Last evaluated: 2025-10-09. Review status: criteria provided, single submitter. Criteria: Ambry Variant Classification Scheme 2023. Collection method: clinical testing. Allele origin: germline.
Comment: The p.M393T variant (also known as c.1178T>C), located in coding exon 10 of the FANCG gene, results from a T to C substitution at nucleotide position 1178. The methionine at codon 393 is replaced by threonine, an amino acid with similar properties. This amino acid position is conserved. In addition, this alteration is predicted to be tolerated by in silico analysis. Based on the available evidence, the clinical significance of this variant remains unclear.

Blueprint Genetics
Classification: Uncertain significance. Last evaluated: 2020-12-23. Review status: criteria provided, single submitter. Criteria: ACMG Guidelines, 2015. Collection method: clinical testing. Allele origin: germline.